The following is an entry in ClinVar:

ClinVar aggregate classification (germline): Pathogenic (1 of 4 stars; one submission).

Conditions:
Nemaline myopathy 2 (NEM2). Also called: Nemaline myopathy 2, autosomal recessive. Identifiers: MedGen C1850569, MONDO:0009725, OMIM 256030.

Submission:

Labcorp Genetics (formerly Invitae), Labcorp
Classification: Pathogenic for Nemaline myopathy 2. Last evaluated: 2024-01-22. Review status: criteria provided, single submitter. Criteria: Invitae Variant Classification Sherloc (09022015). Collection method: clinical testing. Allele origin: germline.
Comment: This sequence change creates a premature translational stop signal (p.Ile6742Thrfs*12) in the NEB gene. It is expected to result in an absent or disrupted protein product. Loss-of-function variants in NEB are known to be pathogenic (PMID: 25205138). This variant is not present in population databases (gnomAD no frequency). This variant has not been reported in the literature in individuals affected with NEB-related conditions. ClinVar contains an entry for this variant (Variation ID: 1452150). For these reasons, this variant has been classified as Pathogenic.

Literature cited by the submitters: PubMed 25205138.

NM_001164508.2(NEB):c.20225_20226del (p.Ile6742fs)

Gene: NEB (nebulin; minus strand). Cytogenetic location: 2q23.3.
Variant type: Deletion.
Coding change: c.20225_20226del on transcript NM_001164508.2 (MANE Select); coding-DNA positions 20225 to 20226, 2 bases deleted (TC; older notation c.20225_20226delTC).
Protein change: p.Ile6742fs; shifts the reading frame from isoleucine 6742.
Molecular consequence: frameshift variant.
Genome position (GRCh38, 1-based): chr2:151,547,670-151,547,671, GA deleted on the plus strand (TC on the coding strand, the reverse complement: NEB is on the minus strand). VCF-style (leftmost placement, unchanged base first): chr2-151547669-GGA-G. GRCh37 (hg19) VCF-style: chr2-152404183-GGA-G.
Other names: c.20225_20226del, p.Ile6742fs (NM_001164507.2, NM_001271208.2); c.15122_15123del, p.Ile5041fs (NM_004543.5); short protein forms I5041fs, I6742fs.
Identifiers: ClinVar variation 1452150 (VCV001452150.6), dbSNP rs2153617810, ClinGen allele CA2573133365.
Genomic context (GRCh38, chr2:151,547,669, plus strand): 5'-CTGTCTTTCCTAAGAAAATACCCACCTCACTGACAGCCTCTTGTGTCTTCTTGACTTGGC[GGA>G]TCTCAGGGGTATCGGGAGTTGTATGGATCTTGTCTTTCAGTTTGTGGTACAATTCCCGAT-3'